The following is an entry in ClinVar:

ClinVar aggregate classification (germline): Pathogenic/Likely pathogenic. Review status: criteria provided, multiple submitters, no conflicts (2 of 4 stars). 2 submissions from 2 submitters: Pathogenic (1); Likely pathogenic (1). Last evaluated 2026-08-26.

Conditions:
IFT74-related disorder. Also called: IFT74-related condition; IFT74-Related Disorders.

Allele frequency attached by ClinVar (database versions not stated): ExAC 0.00003; gnomAD 0.00003; 1000 Genomes Project 30x 0.00016; 1000 Genomes Project 0.00020.
gnomAD v4.1: 50 of 1,613,240 alleles (0.0031%); highest among the groups gnomAD compares: East Asian, 0.0045%; no homozygotes.

Submissions (2):

PreventionGenetics, part of Exact Sciences
Classification: Likely pathogenic for IFT74-related condition. Last evaluated: 2026-08-26. Review status: criteria provided, single submitter. Criteria: ACMG Guidelines, 2015. Collection method: clinical testing. Allele origin: germline.
Comment: The IFT74 c.1153C>T variant is predicted to result in premature protein termination (p.Arg385*). To our knowledge, this variant has not been reported in the literature. This variant is reported in 0.0056% of alleles in individuals of East Asian descent in gnomAD. Nonsense variants in IFT74 are expected to be pathogenic. This variant is interpreted as likely pathogenic.

Labcorp Genetics (formerly Invitae), Labcorp
Classification: Pathogenic. Last evaluated: 2025-12-17. Review status: criteria provided, single submitter. Criteria: Invitae Variant Classification Sherloc (09022015). Collection method: clinical testing. Allele origin: germline.
Comment: This sequence change creates a premature translational stop signal (p.Arg385*) in the IFT74 gene. It is expected to result in an absent or disrupted protein product. Loss-of-function variants in IFT74 are known to be pathogenic (PMID: 33531668). This variant is present in population databases (rs200176242, gnomAD 0.003%). This variant has not been reported in the literature in individuals affected with IFT74-related conditions. ClinVar contains an entry for this variant (Variation ID: 2178456). For these reasons, this variant has been classified as Pathogenic.

Literature cited by the submitters: PubMed 33531668 (cited by Labcorp Genetics (formerly Invitae), Labcorp).

NM_025103.4(IFT74):c.1153C>T (p.Arg385Ter)

Gene: IFT74 (intraflagellar transport 74; plus strand). Cytogenetic location: 9p21.2.
Variant type: single nucleotide variant.
Coding change: c.1153C>T on transcript NM_025103.4 (MANE Select); coding-DNA position 1153, C replaced by T.
Protein change: p.Arg385Ter; replaces arginine 385 with a stop codon.
Molecular consequence: nonsense.
Genome position (GRCh38, 1-based): chr9:27,047,318, C>T. VCF-style: chr9-27047318-C-T. GRCh37 (hg19) VCF-style: chr9-27047316-C-T.
Other names: c.1153C>T, p.Arg385Ter (NM_001099222.3, NM_001099223.3, NM_001349928.2); c.1153C>T (NM_025103.2); short protein forms R385*.
Identifiers: ClinVar variation 2178456 (VCV002178456.5), dbSNP rs200176242, ClinGen allele CA5015581.